The following is an entry in ClinVar:

ClinVar aggregate classification (germline): Pathogenic. Review status: reviewed by expert panel (3 of 4 stars). 9 submissions from 9 submitters: Pathogenic (1). 8 of the submissions do not count toward it. Last evaluated 2026-07-20.

Conditions:
CEP290-related ciliopathy. Also called: CEP290 ciliopathy. Identifiers: MedGen CN305601, MONDO:0100451.
Meckel-Gruber syndrome. Also called: Dysencephalia splachnocystica; DYSENCEPHALIA SPLANCHNOCYSTICA; GRUBER SYNDROME. Identifiers: Orphanet 564, MedGen C0265215, MONDO:0018921.
Nephronophthisis. Also called: Juvenile Nephronophthisis. Identifiers: Orphanet 655, MedGen C0687120, MONDO:0019005, HP:0000090.
Joubert syndrome. Also called: Familial aplasia of the vermis; JOUBERT-BOLTSHAUSER SYNDROME. Identifiers: Orphanet 475, MedGen C5979921, MONDO:0018772.
CEP290-related disorder. Also called: CEP290-related disorders; CEP290-related condition. Identifiers: MedGen CN239314.
Leber congenital amaurosis (LCA). Also called: Leber's amaurosis. Identifiers: Orphanet 65, MedGen C0339527, MeSH D057130, MONDO:0018998.
Retinal dystrophy. Also called: Inherited retinal dystrophy. Identifiers: Orphanet 71862, MedGen C0854723, MeSH D058499, MONDO:0019118, HP:0000556.
Leber congenital amaurosis 10 (LCA10). Identifiers: Orphanet 65, MedGen C1857821, MONDO:0012723, OMIM 611755.
Meckel syndrome, type 4 (MKS4). Also called: MECKEL-GRUBER SYNDROME, TYPE 4. Identifiers: Orphanet 564, MedGen C1970161, MONDO:0012626, OMIM 611134.
Bardet-Biedl syndrome 14 (BBS14). Identifiers: Orphanet 110, MedGen C2673874, MONDO:0014442, OMIM 615991.
Senior-Loken syndrome 6 (SLSN6). Identifiers: Orphanet 3156, MedGen C1857779, MONDO:0012433, OMIM 610189.
Joubert syndrome 5 (JBTS5). Identifiers: Orphanet 2318, MedGen C1857780, MONDO:0012432, OMIM 610188.

Allele frequency attached by ClinVar (database versions not stated): gnomAD exomes below 0.00001 and 0.00001; ExAC 0.00001; gnomAD 0.00001; TOPMed 0.00002; ESP Exome Variant Server 0.00017.

Submissions (9):

ClinGen Leber Congenital Amaurosis/early Onset Retinal Dystrophy Variant Curation Expert Panel, ClinGen
Classification: Pathogenic for CEP290-related ciliopathy. Last evaluated: 2026-07-20. Review status: reviewed by expert panel. Criteria: ClinGen LCAeoRD ACMG Specifications CEP290 V1.0.0. Collection method: curation. Allele origin: germline. Inheritance: Autosomal recessive inheritance.
Comment: The start loss variant NM_025114.4(CEP290):c.2T>A (p.Met1Lys) affects the canonical initiation codon and is predicted to lead to a complete absence of the protein product (PVS1). This variant is present in gnomAD v4.1.1 at a total allele frequency of 0.0000080, with 13 alleles / 1607790 total alleles, which is lower than the ClinGen LCA/eoRD VCEP PM2_Supporting threshold of <0.0006 (PM2_Supporting). This variant has been reported in at least 2 probands with early-onset severe retinal dystrophy who were compound heterozygous with the NM_025114.4(CEP290):c.1593C>A (p.Tyr531Ter) variant (PMID: 17345604) or the NM_025114.4(CEP290):c.3461dup (p.Leu1155ThrfsTer6) variant (PMID: 32531858) suspected in trans, which were previously classified pathogenic or likely pathogenic by the ClinGen LCA/eoRD VCEP (0.75 total points, PM3_Supporting). In summary, this variant meets the criteria to be classified as Pathogenic for CEP290-related ciliopathy based on the ACMG/AMP criteria applied, as specified by the ClinGen LCA/eoRD VCEP: PVS1, PM2_Supporting, and PM3_Supporting. (LCA/eoRD VCEP Specifications for CEP290 Version 1.0.0)

Natera, Inc.
Classification: Pathogenic for Leber congenital amaurosis. Last evaluated: 2026-01-23. Review status: criteria provided, single submitter. Criteria: Natera Variant Classification Schema (03/2026). Collection method: clinical testing. Allele origin: germline. Not counted in ClinVar's aggregate classification.
Comment: The c.2T>A variant in CEP290 is predicted to result in start loss due to disruption of the initiator methionine. This variant is expected to result in nonsense mediated decay, truncation, or a dysfunctional protein product. This variant is rare in the general population with a frequency below the threshold expected for the associated phenotype(s). This variant has been observed in one or more individuals affected with the associated recessive disease, as either homozygous or compound heterozygous with a second variant (PMID: 38576124). Given the available evidence, this variant is classified as Pathogenic.

GeneDx
Classification: Pathogenic. Last evaluated: 2024-11-01. Review status: criteria provided, single submitter. Criteria: GeneDx Variant Classification Process June 2021. Collection method: clinical testing. Allele origin: germline. Affected: yes. Not counted in ClinVar's aggregate classification.
Comment: Identified with a second CEP290 variant in patients with features consistent with a CEP290-related ciliopathy in published literature (PMID: 17345604, 35764379, 32531858); Initiation codon variant in a gene for which loss-of-function is a known mechanism of disease; Not observed at significant frequency in large population cohorts (gnomAD); This variant is associated with the following publications: (PMID: 17705300, 20690115, 34426522, 31964843, 35764379, 32531858, 17345604)

Labcorp Genetics (formerly Invitae), Labcorp
Classification: Pathogenic for Joubert syndrome; Meckel-Gruber syndrome; Nephronophthisis. Last evaluated: 2024-06-21. Review status: criteria provided, single submitter. Criteria: Invitae Variant Classification Sherloc (09022015). Collection method: clinical testing. Allele origin: germline. Not counted in ClinVar's aggregate classification.
Comment: This sequence change affects the initiator methionine of the CEP290 mRNA. The next in-frame methionine is located at codon 11. This variant is present in population databases (rs368984997, gnomAD 0.0009%). Disruption of the initiator codon has been observed in individuals with Leber congenital amaurosis and/or Senior-Loken syndrome (PMID: 17345604, 21866095). ClinVar contains an entry for this variant (Variation ID: 871409). This variant disrupts the p.Trp7 amino acid residue in CEP290. Other variant(s) that disrupt this residue have been determined to be pathogenic (PMID: 16682970, 27422788). This suggests that this residue is clinically significant, and that variants that disrupt this residue are likely to be disease-causing. For these reasons, this variant has been classified as Pathogenic.

Fulgent Genetics
Classification: Likely pathogenic for Joubert syndrome 5; Senior-Loken syndrome 6; Meckel syndrome, type 4; Leber congenital amaurosis 10; Bardet-Biedl syndrome 14. Last evaluated: 2024-03-14. Review status: criteria provided, single submitter. Criteria: ACMG Guidelines, 2015. Collection method: clinical testing. Allele origin: germline. Not counted in ClinVar's aggregate classification.

Blueprint Genetics
Classification: Pathogenic for CEP290-related disorders. Last evaluated: 2022-01-26. Review status: criteria provided, single submitter. Criteria: ACMG Guidelines, 2015. Collection method: clinical testing. Allele origin: germline. Affected: yes. Observed: 2 variant alleles. Not counted in ClinVar's aggregate classification.

Institute of Human Genetics, Univ. Regensburg, Univ. Regensburg
Classification: Pathogenic for Retinal dystrophy. Last evaluated: 2021-01-01. Review status: criteria provided, single submitter. Criteria: ACMG Guidelines, 2015. Collection method: clinical testing. Allele origin: germline. Affected: yes. Not counted in ClinVar's aggregate classification.

CeGaT Center for Human Genetics Tuebingen
Classification: Pathogenic. Last evaluated: 2018-08-01. Review status: criteria provided, single submitter. Criteria: CeGaT Center For Human Genetics Tuebingen Variant Classification Criteria Version 2. Collection method: clinical testing. Allele origin: germline. Affected: yes. Observed: 2 variant alleles. Not counted in ClinVar's aggregate classification.

PreventionGenetics, part of Exact Sciences
Classification: Pathogenic for CEP290-related condition. Last evaluated: 2023-10-27. Review status: no assertion criteria provided. Collection method: clinical testing. Allele origin: germline. Not counted in ClinVar's aggregate classification.
Comment: The CEP290 c.2T>A variant is predicted to disrupt the translation initiation site (Start Loss). This variant was reported in individuals with Leber congenital amaurosis (Patient 416 in Perrault et al. 2007. PubMed ID: 17345604; Supplemental Table 1 in Weisschuh et al. 2020. PubMed ID: 32531858; Table S2 in Drivas et al. 2015. PubMed ID: 26062849) and in a patient with renal and ophthalmic features (Patient 63 in Best et al. 2022. PubMed ID: 35764379). This variant is reported in 0.0016% of alleles in individuals of European (Non-Finnish) descent in gnomAD and has been interpreted as likely pathogenic and pathogenic in ClinVar. Of note, a different variant that disrupts the methionine start codon (c.1A>G) has also been reported in patients with CEP290-related disorders (Patient F57 in Helou. 2007. PubMed ID: 17617513). Based on this evidence, we interpret the c.2T>A (start loss) variant as pathogenic.

Literature cited by the submitters: PubMed 38576124 (cited by Natera, Inc.); PubMed 17345604 (cited by Labcorp Genetics (formerly Invitae), Labcorp and Institute of Human Genetics, Univ. Regensburg, Univ. Regensburg); PubMed 21866095 (cited by Labcorp Genetics (formerly Invitae), Labcorp); PubMed 16682970 (cited by Labcorp Genetics (formerly Invitae), Labcorp); PubMed 27422788 (cited by Labcorp Genetics (formerly Invitae), Labcorp); PubMed 31964843 (cited by Institute of Human Genetics, Univ. Regensburg, Univ. Regensburg); PubMed 32531858 (cited by Institute of Human Genetics, Univ. Regensburg, Univ. Regensburg); PubMed 34426522 (cited by Institute of Human Genetics, Univ. Regensburg, Univ. Regensburg); PubMed 35764379 (cited by Institute of Human Genetics, Univ. Regensburg, Univ. Regensburg).

NM_025114.4(CEP290):c.2T>A (p.Met1Lys)

Gene: CEP290 (centrosomal protein 290; minus strand). Cytogenetic location: 12q21.32.
Variant type: single nucleotide variant.
Coding change: c.2T>A on transcript NM_025114.4 (MANE Select); coding-DNA position 2, T replaced by A.
Protein change: p.Met1Lys; changes the start codon (methionine 1).
Molecular consequence: missense variant, initiator codon variant.
Genome position (GRCh38, 1-based): chr12:88,141,306, A>T on the plus strand (T>A on the coding strand, the complement: CEP290 is on the minus strand). VCF-style: chr12-88141306-A-T. GRCh37 (hg19) VCF-style: chr12-88535083-A-T.
Other names: NM_025114.4(CEP290):c.2T>A; p.Met1Lys; c.2T>A (NM_025114.3); short protein forms M1K.
Identifiers: ClinVar variation 871409 (VCV000871409.55), dbSNP rs368984997, ClinGen allele CA6712933.